The following is an entry in ClinVar:

NM_000179.3(MSH6):c.1536G>C (p.Glu512Asp)

Gene: MSH6 (mutS homolog 6; plus strand). Cytogenetic location: 2p16.3.
Variant type: single nucleotide variant.
Coding change: c.1536G>C on transcript NM_000179.3 (MANE Select); coding-DNA position 1536, G replaced by C.
Protein change: p.Glu512Asp; replaces glutamic acid 512 with aspartic acid.
Molecular consequence: missense variant.
Genome position (GRCh38, 1-based): chr2:47,799,519, G>C. VCF-style: chr2-47799519-G-C. GRCh37 (hg19) VCF-style: chr2-48026658-G-C.
Other names: c.1632G>C, p.Glu544Asp (NM_001406802.1, NM_001406795.1); c.1536G>C, p.Glu512Asp (NM_001406803.1, NM_001406796.1, NM_001406798.1 and 4 more transcripts); c.1458G>C, p.Glu486Asp (NM_001406804.1); c.1146G>C, p.Glu382Asp (NM_001281492.2); c.630G>C, p.Glu210Asp (NM_001281493.2, NM_001281494.2, NM_001406811.1 and 6 more transcripts); c.1239G>C, p.Glu413Asp (NM_001406797.1, NM_001406801.1, NM_001406805.1 and 10 more transcripts); c.1011G>C, p.Glu337Asp (NM_001406799.1, NM_001406806.1, NM_001406807.1); c.1542G>C, p.Glu514Asp (NM_001406813.1); and 1 more; short protein forms E337D, E486D, E512D, E514D, E210D, E413D, E456D, E382D.
Identifiers: ClinVar variation 1774725 (VCV001774725.3), dbSNP rs2104350171, ClinGen allele CA346746560.

ClinVar aggregate classification (germline): Uncertain significance. Review status: criteria provided, multiple submitters, no conflicts (2 of 4 stars). 2 submissions from 2 submitters: Uncertain significance (2). Last evaluated 2025-03-07.

Conditions:
Hereditary cancer-predisposing syndrome. Also called: Hereditary Cancer Syndrome; Hereditary neoplastic syndrome; Neoplastic Syndromes, Hereditary; Tumor predisposition. Identifiers: Orphanet 140162, MedGen C0027672, MeSH D009386, MONDO:0015356.
Hereditary nonpolyposis colorectal neoplasms. Identifiers: MedGen C0009405, MeSH D003123.

Submissions (2):

Labcorp Genetics (formerly Invitae), Labcorp
Classification: Uncertain significance for Hereditary nonpolyposis colorectal neoplasms. Last evaluated: 2025-03-07. Review status: criteria provided, single submitter. Criteria: Invitae Variant Classification Sherloc (09022015). Collection method: clinical testing. Allele origin: germline.
Comment: This sequence change replaces glutamic acid, which is acidic and polar, with aspartic acid, which is acidic and polar, at codon 512 of the MSH6 protein (p.Glu512Asp). This variant is not present in population databases (gnomAD no frequency). This variant has not been reported in the literature in individuals affected with MSH6-related conditions. ClinVar contains an entry for this variant (Variation ID: 1774725). Invitae Evidence Modeling of protein sequence and biophysical properties (such as structural, functional, and spatial information, amino acid conservation, physicochemical variation, residue mobility, and thermodynamic stability) indicates that this missense variant is not expected to disrupt MSH6 protein function with a negative predictive value of 95%. In summary, the available evidence is currently insufficient to determine the role of this variant in disease. Therefore, it has been classified as a Variant of Uncertain Significance.

Ambry Genetics
Classification: Uncertain significance for Hereditary cancer-predisposing syndrome. Last evaluated: 2022-08-07. Review status: criteria provided, single submitter. Criteria: Ambry Variant Classification Scheme 2023. Collection method: clinical testing. Allele origin: germline.
Comment: The p.E512D variant (also known as c.1536G>C), located in coding exon 4 of the MSH6 gene, results from a G to C substitution at nucleotide position 1536. The glutamic acid at codon 512 is replaced by aspartic acid, an amino acid with highly similar properties. This amino acid position is conserved. In addition, this alteration is predicted to be deleterious by in silico analysis. Since supporting evidence is limited at this time, the clinical significance of this alteration remains unclear.